The following is an entry in ClinVar:

ClinVar aggregate classification (germline): Uncertain significance (1 of 4 stars; one submission).

Conditions:
Rhabdoid tumor predisposition syndrome 2 (RTPS2). Identifiers: Orphanet 231108, Orphanet 69077, MedGen C2750074, MONDO:0013224, OMIM 613325.

Allele frequency attached by ClinVar (database versions not stated): gnomAD exomes below 0.00001.
gnomAD v4.1: 1 of 1,613,818 alleles (0.000062%); highest among the groups gnomAD compares: Non-Finnish European, 0.000085%; no homozygotes.

Submission:

Labcorp Genetics (formerly Invitae), Labcorp
Classification: Uncertain significance for Rhabdoid tumor predisposition syndrome 2. Last evaluated: 2023-08-22. Review status: criteria provided, single submitter. Criteria: Invitae Variant Classification Sherloc (09022015). Collection method: clinical testing. Allele origin: germline.
Comment: In summary, the available evidence is currently insufficient to determine the role of this variant in disease. Therefore, it has been classified as a Variant of Uncertain Significance. Advanced modeling of protein sequence and biophysical properties (such as structural, functional, and spatial information, amino acid conservation, physicochemical variation, residue mobility, and thermodynamic stability) performed at Invitae indicates that this missense variant is expected to disrupt SMARCA4 protein function. This variant has not been reported in the literature in individuals affected with SMARCA4-related conditions. This variant is present in population databases (no rsID available, gnomAD 0.0009%). This sequence change replaces glutamic acid, which is acidic and polar, with lysine, which is basic and polar, at codon 1310 of the SMARCA4 protein (p.Glu1310Lys).

NM_003072.5(SMARCA4):c.3928G>A (p.Glu1310Lys)

Gene: SMARCA4 (SWI/SNF related BAF chromatin remodeling complex subunit ATPase 4; plus strand). Cytogenetic location: 19p13.2.
Variant type: single nucleotide variant.
Coding change: c.3928G>A on transcript NM_003072.5 (MANE Select); coding-DNA position 3928, G replaced by A.
Protein change: p.Glu1310Lys; replaces glutamic acid 1310 with lysine.
Molecular consequence: missense variant. On other transcripts: non-coding transcript variant (1).
Genome position (GRCh38, 1-based): chr19:11,034,177, G>A. VCF-style: chr19-11034177-G-A. GRCh37 (hg19) VCF-style: chr19-11144853-G-A.
Other names: c.3928G>A, p.Glu1310Lys (NM_001128844.3, NM_001128849.3, NM_001387283.1); c.3829G>A, p.Glu1277Lys (NM_001128845.2, NM_001128846.2, NM_001128847.4 and 3 more transcripts); short protein forms E1310K, E1277K.
Identifiers: ClinVar variation 2875588 (VCV002875588.3), dbSNP rs1398457701, ClinGen allele CA404067906.